The following is an entry in ClinVar:

ClinVar aggregate classification (germline): Pathogenic (1 of 4 stars; one submission).

Conditions:
Juvenile polyposis syndrome (JPS). Identifiers: Orphanet 2929, MedGen C0345893, MONDO:0017380, OMIM 174900.

Submission:

Labcorp Genetics (formerly Invitae), Labcorp
Classification: Pathogenic for Juvenile polyposis syndrome. Last evaluated: 2022-08-26. Review status: criteria provided, single submitter. Criteria: Invitae Variant Classification Sherloc (09022015). Collection method: clinical testing. Allele origin: germline.
Comment: Variants that disrupt the consensus splice site are a relatively common cause of aberrant splicing (PMID: 17576681, 9536098). Studies have shown that this variant results in skipping of exon 7 and skipping of exons 6-7 and introduces a premature termination codon (Invitae). The resulting mRNA is expected to undergo nonsense-mediated decay. ClinVar contains an entry for this variant (Variation ID: 1353523). This variant has been observed in individual(s) with juvenile polyposis syndrome (Invitae). This variant is not present in population databases (gnomAD no frequency). This sequence change falls in intron 7 of the BMPR1A gene. It does not directly change the encoded amino acid sequence of the BMPR1A protein. RNA analysis indicates that this variant induces altered splicing and may result in an absent or disrupted protein product. For these reasons, this variant has been classified as Pathogenic.

Literature cited by the submitters: PubMed 17576681; PubMed 9536098.

NM_004329.3(BMPR1A):c.530+3A>G

Gene: BMPR1A (bone morphogenetic protein receptor type 1A; plus strand). Cytogenetic location: 10q23.2.
Variant type: single nucleotide variant.
Coding change: c.530+3A>G on transcript NM_004329.3 (MANE Select); 3 bases into the intron after coding-DNA position 530, A replaced by G.
Molecular consequence: intron variant.
Genome position (GRCh38, 1-based): chr10:86,900,129, A>G. VCF-style: chr10-86900129-A-G. GRCh37 (hg19) VCF-style: chr10-88659886-A-G.
Identifiers: ClinVar variation 1353523 (VCV001353523.6), dbSNP rs2133458164, ClinGen allele CA2573145708.